The following is an entry in ClinVar:

NM_012301.4(MAGI2):c.2603C>G (p.Pro868Arg)

Gene: MAGI2 (membrane associated guanylate kinase, WW and PDZ domain containing 2; minus strand). Cytogenetic location: 7q21.11.
Variant type: single nucleotide variant.
Coding change: c.2603C>G on transcript NM_012301.4 (MANE Select); coding-DNA position 2603, C replaced by G.
Protein change: p.Pro868Arg; replaces proline 868 with arginine.
Molecular consequence: missense variant.
Genome position (GRCh38, 1-based): chr7:78,160,267, G>C on the plus strand (C>G on the coding strand, the complement: MAGI2 is on the minus strand). VCF-style: chr7-78160267-G-C. GRCh37 (hg19) VCF-style: chr7-77789584-G-C.
Other names: c.2561C>G, p.Pro854Arg (NM_001301128.2); c.2603C>G (NM_012301.3); short protein forms P854R, P868R.
Identifiers: ClinVar variation 2184499 (VCV002184499.4), dbSNP rs1002299211, ClinGen allele CA161056704.

ClinVar aggregate classification (germline): Uncertain significance. Review status: criteria provided, multiple submitters, no conflicts (2 of 4 stars). 3 submissions from 3 submitters: Uncertain significance (3). Last evaluated 2025-06-03.

Conditions:
Nephrotic syndrome 15. Identifiers: MedGen C4539896, MONDO:0033262, OMIM 617609.

gnomAD v4.1: 15 of 1,584,950 alleles (0.00095%); highest among the groups gnomAD compares: Admixed American, 0.024%; no homozygotes.

Submissions (3):

Ambry Genetics
Classification: Uncertain significance. Last evaluated: 2025-06-03. Review status: criteria provided, single submitter. Criteria: Ambry Variant Classification Scheme 2023. Collection method: clinical testing. Allele origin: germline.

Fulgent Genetics
Classification: Uncertain significance for Nephrotic syndrome 15. Last evaluated: 2024-01-16. Review status: criteria provided, single submitter. Criteria: ACMG Guidelines, 2015. Collection method: clinical testing. Allele origin: germline.

Labcorp Genetics (formerly Invitae), Labcorp
Classification: Uncertain significance. Last evaluated: 2023-05-22. Review status: criteria provided, single submitter. Criteria: Invitae Variant Classification Sherloc (09022015). Collection method: clinical testing. Allele origin: germline.
Comment: This sequence change replaces proline, which is neutral and non-polar, with arginine, which is basic and polar, at codon 868 of the MAGI2 protein (p.Pro868Arg). This variant is present in population databases (no rsID available, gnomAD 0.02%). An algorithm developed to predict the effect of missense changes on protein structure and function (PolyPhen-2) suggests that this variant is likely to be disruptive. In summary, the available evidence is currently insufficient to determine the role of this variant in disease. Therefore, it has been classified as a Variant of Uncertain Significance. ClinVar contains an entry for this variant (Variation ID: 2184499). This variant has not been reported in the literature in individuals affected with MAGI2-related conditions.